The following is an entry in ClinVar:

NM_001171.6(ABCC6):c.1132C>T (p.Gln378Ter)

Gene: ABCC6 (ATP binding cassette subfamily C member 6; minus strand). Cytogenetic location: 16p13.11.
Variant type: single nucleotide variant.
Coding change: c.1132C>T on transcript NM_001171.6 (MANE Select); coding-DNA position 1132, C replaced by T.
Protein change: p.Gln378Ter; replaces glutamine 378 with a stop codon.
Molecular consequence: nonsense. On other transcripts: non-coding transcript variant (1).
Genome position (GRCh38, 1-based): chr16:16,202,045, G>A on the plus strand (C>T on the coding strand, the complement: ABCC6 is on the minus strand). VCF-style: chr16-16202045-G-A. GRCh37 (hg19) VCF-style: chr16-16295902-G-A.
Other names: c.790C>T, p.Gln264Ter (NM_001351800.1); short protein forms Q378*, Q264*.
Identifiers: ClinVar variation 372294 (VCV000372294.18), dbSNP rs72650699, ClinGen allele CA7926457.

ClinVar aggregate classification (germline): Pathogenic. Review status: criteria provided, multiple submitters, no conflicts (2 of 4 stars). 12 submissions from 12 submitters: Pathogenic (11). 1 of the submissions does not count toward it. Last evaluated 2026-05-18.

Conditions:
Arterial calcification, generalized, of infancy, 2. Identifiers: Orphanet 51608, MedGen C3276161, MONDO:0013768, OMIM 614473.
Autosomal recessive inherited pseudoxanthoma elasticum (PXE). Identifiers: Orphanet 758, MedGen CN032334, MONDO:0009925, OMIM 264800.
Pseudoxanthoma elasticum, forme fruste. Also called: PSEUDOXANTHOMA ELASTICUM, HETEROZYGOUS; Pseudoxanthoma Elasticum, Incomplete. Identifiers: Orphanet 758, MedGen C1867450, MONDO:0008333, OMIM 177850.
ABCC6-related disorder. Also called: ABCC6-related condition.

Allele frequency attached by ClinVar (database versions not stated): ExAC 0.00001; gnomAD exomes 0.00005; gnomAD 0.00019.

Submissions (12):

PreventionGenetics, part of Exact Sciences
Classification: Pathogenic for ABCC6-related condition. Last evaluated: 2026-05-18. Review status: criteria provided, single submitter. Criteria: ACMG Guidelines, 2015. Collection method: clinical testing. Allele origin: germline.
Comment: The ABCC6 c.1132C>T variant is predicted to result in premature protein termination (p.Gln378*). This variant has been reported in compound heterozygous or homozygous states in individuals with pseudoxanthoma elasticum (PXE) (Cai et al. 2001. PubMed ID: 11692167). This variant has been reported with phase unknown in a large cohort study of Italian patients with PXE (Table S1, Boraldi et al. 2021. PubMed ID: 34205333). This variant has also been reported in the compound heterozygous and homozygous states in individuals with PXE and angioid streaks (Katagiri et al. 2017. PubMed ID: 28912966; Jin et al. 2021. PubMed ID: 34440381). Of note, in the previous studies, one patient had this variant in the heterozygous state (Katagiri et al. 2017. PubMed ID: 28912966). This variant was also reported in the homozygous state in an individual with classic PXE and sickle cell disease (Mitre et al. 2018. PubMed ID: 30537162).

Dasa
Classification: Pathogenic. Last evaluated: 2026-01-27. Review status: criteria provided, single submitter. Criteria: DASA Assertion Criteria. Collection method: clinical testing. Allele origin: germline.
Comment: NM_001171.6(ABCC6):c.1132C>T (p.Gln378*) introduces a premature termination codon predicted to result in loss of normal protein function. Loss-of-function is an established mechanism of disease for this gene. This variant has been observed in affected individuals with related phenotype in a genotype context consistent with recessive disease (PMID: 28912966; PMID: 34205333; PMID: 34440381). This variant has been recurrently observed in individuals with related phenotype (PMID: 28912966; PMID: 34205333; PMID: 34440381). The variant is present at low frequency in population datasets. Based on the available data, this variant is classified as pathogenic.

3billion
Classification: Pathogenic for Autosomal recessive inherited pseudoxanthoma elasticum. Last evaluated: 2025-09-16. Review status: criteria provided, single submitter. Criteria: ACMG Guidelines, 2015. Collection method: clinical testing. Allele origin: germline. Affected: yes.
Comment: The variant is observed at an extremely low frequency in the gnomAD v4.1.0 dataset (total allele frequency: 0.006%). Predicted Consequence/Location: Stop-gained (nonsense): predicted to result in a loss or disruption of normal protein function through nonsense-mediated decay (NMD) or protein truncation. Multiple pathogenic variants are reported downstream of the variant. The variant has been reported at least twice as pathogenic with clinical assertions and evidence for the classification (ClinVar ID: VCV000372294 /PMID: 11692167 /3billion dataset). Therefore, this variant is classified as Pathogenic according to the recommendation of ACMG/AMP guideline.

First Genomix Gene Laboratory, Genetic Diagnostics Department
Classification: Pathogenic for Arterial calcification, generalized, of infancy, 2; Autosomal recessive inherited pseudoxanthoma elasticum. Last evaluated: 2025-05-08. Review status: criteria provided, single submitter. Criteria: ACMG Guidelines, 2015. Collection method: clinical testing. Allele origin: germline. Inheritance: Autosomal recessive inheritance. Affected: no. Observed: 1 variant allele.

Variantyx, Inc.
Classification: Pathogenic for Autosomal recessive inherited pseudoxanthoma elasticum. Last evaluated: 2025-03-23. Review status: criteria provided, single submitter. Criteria: Variantyx Assertion Criteria 2022. Collection method: clinical testing. Allele origin: germline. Inheritance: Autosomal recessive inheritance.
Comment: This is a nonsense variant in the ABCC6 gene (OMIM: 603234). Pathogenic variants in this gene have been associated with autosomal recessive pseudoxanthoma elasticum. This variant introduces a premature termination codon in exon 9 out of 31. It is expected to result in loss of function, which is a known disease mechanism for ABCC6 in this disorder (PVS1). This variant has been reported in the homozygous or compound heterozygous state in several unrelated affected individuals (PMID: 28912966, 26705105, 25367056) (PM3). This variant has a 0.0892% maximum allele frequency in non-founder control populations (PM2). Based on the current evidence, this variant is classified as pathogenic for autosomal recessive pseudoxanthoma elasticum.

Blueprint Genetics
Classification: Pathogenic for ABCC6-related disorders. Last evaluated: 2024-05-22. Review status: criteria provided, single submitter. Criteria: ACMG Guidelines, 2015. Collection method: clinical testing. Allele origin: germline. Affected: yes. Observed: 5 variant alleles.

Genomic Medicine Center of Excellence, King Faisal Specialist Hospital and Research Centre
Classification: Pathogenic for Autosomal recessive inherited pseudoxanthoma elasticum. Last evaluated: 2024-04-04. Review status: criteria provided, single submitter. Criteria: ACMG Guidelines, 2015. Collection method: clinical testing. Allele origin: germline.

Fulgent Genetics
Classification: Pathogenic for Pseudoxanthoma elasticum, forme fruste; Autosomal recessive inherited pseudoxanthoma elasticum; Arterial calcification, generalized, of infancy, 2. Last evaluated: 2024-03-12. Review status: criteria provided, single submitter. Criteria: ACMG Guidelines, 2015. Collection method: clinical testing. Allele origin: germline.

Department of Pathology and Laboratory Medicine, Sinai Health System
Classification: Pathogenic for Arterial calcification, generalized, of infancy, 2; Autosomal recessive inherited pseudoxanthoma elasticum; Pseudoxanthoma elasticum, forme fruste. Last evaluated: 2023-02-08. Review status: criteria provided, single submitter. Criteria: ACMG Guidelines, 2015. Collection method: research. Allele origin: germline.

GeneDx
Classification: Pathogenic. Last evaluated: 2022-11-30. Review status: criteria provided, single submitter. Criteria: GeneDx Variant Classification Process June 2021. Collection method: clinical testing. Allele origin: germline. Affected: yes.
Comment: Nonsense variant predicted to result in protein truncation or nonsense mediated decay in a gene for which loss-of-function is a known mechanism of disease; This variant is associated with the following publications: (PMID: 17617515, 11536079, 11702217, 22090377, 34205333, 34906475, 28912966, 25525159, 12673275, 23978319, 22522722, 11692167, 11474653, 15459974, 25367056, 26705105, 30537162, 34440381, 31589614, 35261845, 27535533)

Juno Genomics, Hangzhou Juno Genomics, Inc
Classification: Pathogenic for Arterial calcification, generalized, of infancy, 2; Autosomal recessive inherited pseudoxanthoma elasticum; Pseudoxanthoma elasticum, forme fruste. Review status: criteria provided, single submitter. Criteria: ACMG Guidelines, 2015. Collection method: clinical testing. Allele origin: germline.
Comment: Absent from controls (or at extremely low frequency if recessive) in Genome Aggregation Database.;Null variant in a gene where loss of function (LOF) is a known mechanism of disease.;For recessive disorders, detected in trans with a pathogenic variant.

PXE International
Classification: Pathogenic for Autosomal recessive inherited pseudoxanthoma elasticum. Last evaluated: 2021-03-12. Review status: no assertion criteria provided. Collection method: research. Allele origin: germline. Inheritance: Autosomal recessive inheritance. Affected: yes. Observed: 16 variant alleles. Clinical features observed: Papule (HP:0200034), Skin plaque (HP:0200035), Retinal hemorrhage (HP:0000573), Gastrointestinal hemorrhage (HP:0002239), Angioid streaks (HP:0001102), Intermittent claudication (HP:0004417), Myocardial infarction (HP:0001658), Diffuse arterial stenosis, Vascular surgery, Asymptomatic peripheral arterial disease of the lower limbs, Weak or absent arterial pulse, Abnormally lax or hyperextensible skin (HP:0008067), and 2 more. Not counted in ClinVar's aggregate classification.

Literature cited by the submitters: PubMed 28912966 (cited by Dasa and PXE International); PubMed 34205333 (cited by Dasa); PubMed 34440381 (cited by Dasa); PubMed 11692167 (cited by 3billion); PubMed 12673275 (cited by Variantyx, Inc.); PubMed 15459974 (cited by Variantyx, Inc.); PubMed 14631379 (cited by Variantyx, Inc.).